The following is an entry in ClinVar:

ClinVar aggregate classification (germline): Uncertain significance. Review status: criteria provided, multiple submitters, no conflicts (2 of 4 stars). 3 submissions from 3 submitters: Uncertain significance (3). Last evaluated 2025-08-17.

Conditions:
POLD1-related disorder. Also called: POLD1-related disorders; POLD1-related condition.
Hereditary cancer-predisposing syndrome. Also called: Hereditary neoplastic syndrome; Neoplastic Syndromes, Hereditary; Tumor predisposition; Hereditary Cancer Syndrome. Identifiers: Orphanet 140162, MedGen C0027672, MeSH D009386, MONDO:0015356.
POLD1-related polyposis and colorectal cancer syndrome (CRCS10). Also called: Colorectal cancer, susceptibility to, 10; Colorectal cancer 10; COLORECTAL CANCER, SUSCEPTIBILITY TO, ON CHROMOSOME 19q. Identifiers: Orphanet 220460, MedGen C2675481, MONDO:0012953, OMIM 612591.

Allele frequency attached by ClinVar (database versions not stated): gnomAD exomes below 0.00001.

Submissions (3):

Labcorp Genetics (formerly Invitae), Labcorp
Classification: Uncertain significance for POLD1-related polyposis and colorectal cancer syndrome. Last evaluated: 2025-08-17. Review status: criteria provided, single submitter. Criteria: Invitae Variant Classification Sherloc (09022015). Collection method: clinical testing. Allele origin: germline.
Comment: This sequence change replaces valine, which is neutral and non-polar, with methionine, which is neutral and non-polar, at codon 999 of the POLD1 protein (p.Val999Met). This variant is not present in population databases (gnomAD no frequency). This variant has not been reported in the literature in individuals affected with POLD1-related conditions. ClinVar contains an entry for this variant (Variation ID: 1061890). Invitae Evidence Modeling of protein sequence and biophysical properties (such as structural, functional, and spatial information, amino acid conservation, physicochemical variation, residue mobility, and thermodynamic stability) indicates that this missense variant is not expected to disrupt POLD1 protein function with a negative predictive value of 80%. In summary, the available evidence is currently insufficient to determine the role of this variant in disease. Therefore, it has been classified as a Variant of Uncertain Significance.

Ambry Genetics
Classification: Uncertain significance for Hereditary cancer-predisposing syndrome. Last evaluated: 2024-11-08. Review status: criteria provided, single submitter. Criteria: Ambry Variant Classification Scheme 2023. Collection method: clinical testing. Allele origin: germline.
Comment: The p.V999M variant (also known as c.2995G>A), located in coding exon 23 of the POLD1 gene, results from a G to A substitution at nucleotide position 2995. The valine at codon 999 is replaced by methionine, an amino acid with highly similar properties. This amino acid position is conserved. In addition, this alteration is predicted to be tolerated by in silico analysis. Based on the available evidence, the clinical significance of this variant remains unclear.

PreventionGenetics, part of Exact Sciences
Classification: Uncertain significance for POLD1-related condition. Last evaluated: 2023-10-09. Review status: criteria provided, single submitter. Criteria: ACMG Guidelines, 2015. Collection method: clinical testing. Allele origin: germline.
Comment: The POLD1 c.2995G>A variant is predicted to result in the amino acid substitution p.Val999Met. To our knowledge, this variant has not been reported in the literature or in a large population database, indicating this variant is rare. It is interpreted as uncertain significance in ClinVar. At this time, the clinical significance of this variant is uncertain due to the absence of conclusive functional and genetic evidence.

NM_002691.4(POLD1):c.2995G>A (p.Val999Met)

Gene: POLD1 (DNA polymerase delta 1, catalytic subunit; plus strand). Cytogenetic location: 19q13.33.
Variant type: single nucleotide variant.
Coding change: c.2995G>A on transcript NM_002691.4 (MANE Select); coding-DNA position 2995, G replaced by A.
Protein change: p.Val999Met; replaces valine 999 with methionine.
Molecular consequence: missense variant. On other transcripts: non-coding transcript variant (1).
Genome position (GRCh38, 1-based): chr19:50,416,651, G>A. VCF-style: chr19-50416651-G-A. GRCh37 (hg19) VCF-style: chr19-50919908-G-A.
Other names: c.2995G>A (NM_002691.2, NM_002691.3); c.2995G>A, p.Val999Met (NM_001256849.1); c.3073G>A, p.Val1025Met (NM_001308632.1); short protein forms V1025M, V999M.
Identifiers: ClinVar variation 1061890 (VCV001061890.10), dbSNP rs2122496569, ClinGen allele CA406986886.
Genomic context (GRCh38, chr19:50,416,651, plus strand): 5'-CCTGCCTCCTCTCCTGCAGGGGGGGACCACACGCGCTGCAAGACGGTGCTCACGGGCAAG[G>A]TGGGCGGCCTCCTGGCCTTCGCCAAACGCCGCAACTGCTGCATTGGCTGCCGCACAGTGC-3'
Protein context (NP_002682.2, residues 989-1009): TRCKTVLTGK[Val999Met]GGLLAFAKRR